The following is an entry in ClinVar:

ClinVar aggregate classification (germline): Uncertain significance. Review status: criteria provided, multiple submitters, no conflicts (2 of 4 stars). 2 submissions from 2 submitters: Uncertain significance (2). Last evaluated 2025-11-03.

Allele frequency attached by ClinVar (database versions not stated): ExAC 0.00002; TOPMed 0.00006.
gnomAD v4.1: 39 of 1,613,484 alleles (0.0024%); highest among the groups gnomAD compares: Admixed American, 0.062%; 1 homozygote.

Submissions (2):

Labcorp Genetics (formerly Invitae), Labcorp
Classification: Uncertain significance. Last evaluated: 2025-11-03. Review status: criteria provided, single submitter. Criteria: Invitae Variant Classification Sherloc (09022015). Collection method: clinical testing. Allele origin: germline.
Comment: This sequence change replaces alanine, which is neutral and non-polar, with glycine, which is neutral and non-polar, at codon 752 of the DLC1 protein (p.Ala752Gly). This variant is present in population databases (rs760604715, gnomAD 0.04%). This variant has not been reported in the literature in individuals affected with DLC1-related conditions. ClinVar contains an entry for this variant (Variation ID: 2389020). An algorithm developed to predict the effect of missense changes on protein structure and function (PolyPhen-2) suggests that this variant is likely to be disruptive. In summary, the available evidence is currently insufficient to determine the role of this variant in disease. Therefore, it has been classified as a Variant of Uncertain Significance.

Ambry Genetics
Classification: Uncertain significance. Last evaluated: 2022-09-22. Review status: criteria provided, single submitter. Criteria: Ambry Variant Classification Scheme 2023. Collection method: clinical testing. Allele origin: germline.

NM_182643.3(DLC1):c.2255C>G (p.Ala752Gly)

Gene: DLC1 (DLC1 Rho GTPase activating protein; minus strand). Cytogenetic location: 8p22.
Variant type: single nucleotide variant.
Coding change: c.2255C>G on transcript NM_182643.3 (MANE Select); coding-DNA position 2255, C replaced by G.
Protein change: p.Ala752Gly; replaces alanine 752 with glycine.
Molecular consequence: missense variant.
Genome position (GRCh38, 1-based): chr8:13,100,082, G>C on the plus strand (C>G on the coding strand, the complement: DLC1 is on the minus strand). VCF-style: chr8-13100082-G-C. GRCh37 (hg19) VCF-style: chr8-12957591-G-C.
Other names: c.722C>G, p.Ala241Gly (NM_001164271.2, NM_001348082.2, NM_001348083.1 and 6 more transcripts); c.1046C>G, p.Ala349Gly (NM_001316668.2, NM_001413129.1); c.2255C>G, p.Ala752Gly (NM_001348081.2, NM_001413124.1); c.1037C>G, p.Ala346Gly (NM_001413130.1); c.695C>G, p.Ala232Gly (NM_001413131.1, NM_001413137.1); c.1181C>G, p.Ala394Gly (NM_001413132.1); c.944C>G, p.Ala315Gly (NM_001413135.1, NM_001413136.1, NM_001413139.1 and 1 more transcripts); c.1079C>G, p.Ala360Gly (NM_001413140.1); short protein forms A315G, A241G, A346G, A394G, A232G, A360G, A349G, A752G.
Identifiers: ClinVar variation 2389020 (VCV002389020.3), dbSNP rs760604715, ClinGen allele CA4638666.